The following is an entry in ClinVar:

NM_005591.4(MRE11):c.850G>T (p.Val284Phe)

Gene: MRE11 (MRE11 double strand break repair nuclease; minus strand). Cytogenetic location: 11q21.
Variant type: single nucleotide variant.
Coding change: c.850G>T on transcript NM_005591.4 (MANE Select); coding-DNA position 850, G replaced by T.
Protein change: p.Val284Phe; replaces valine 284 with phenylalanine.
Molecular consequence: missense variant.
Genome position (GRCh38, 1-based): chr11:94,470,638, C>A on the plus strand (G>T on the coding strand, the complement: MRE11 is on the minus strand). VCF-style: chr11-94470638-C-A. GRCh37 (hg19) VCF-style: chr11-94203804-C-A.
Other names: c.850G>T, p.Val284Phe (NM_001330347.2, NM_005590.4); short protein forms V284F.
Identifiers: ClinVar variation 3874322 (VCV003874322.1).
Genomic context (GRCh38, chr11:94,470,638, plus strand): 5'-CTGTGTGAAGAGGAATTTTATGCATATTCATCTTCCTCCCTTTAATACGCAGCAAACCAA[C>A]ATGTCTGAAGTGGAGAGAAATGAACACCGAGTCACAGTGTAAATTTCCTCAGGGTGATGT-3'
Protein context (NP_005582.1, residues 274-294): LSPGEAVKKH[Val284Phe]GLLRIKGRKM

ClinVar aggregate classification (germline): Uncertain significance (1 of 4 stars; one submission).

Conditions:
Hereditary cancer-predisposing syndrome. Also called: Tumor predisposition; Neoplastic Syndromes, Hereditary; Hereditary Cancer Syndrome; Hereditary neoplastic syndrome. Identifiers: Orphanet 140162, MedGen C0027672, MeSH D009386, MONDO:0015356.

Submission:

Ambry Genetics
Classification: Uncertain significance for Hereditary cancer-predisposing syndrome. Last evaluated: 2025-01-06. Review status: criteria provided, single submitter. Criteria: Ambry Variant Classification Scheme 2023. Collection method: clinical testing. Allele origin: germline.
Comment: The p.V284F variant (also known as c.850G>T), located in coding exon 8 of the MRE11A gene, results from a G to T substitution at nucleotide position 850. The valine at codon 284 is replaced by phenylalanine, an amino acid with highly similar properties. This amino acid position is conserved. In addition, the in silico prediction for this alteration is inconclusive. Based on the available evidence, the clinical significance of this variant remains unclear.